The following is an entry in ClinVar:

ClinVar aggregate classification (germline): Likely benign (1 of 4 stars; one submission).

Conditions:
ALDOB-related disorder. Also called: ALDOB-related condition.

Submission:

PreventionGenetics, part of Exact Sciences
Classification: Likely benign for ALDOB-related condition. Last evaluated: 2025-01-29. Review status: criteria provided, single submitter. Criteria: ACMG Guidelines, 2015. Collection method: clinical testing. Allele origin: germline.
Comment: This variant is classified as likely benign based on ACMG/AMP sequence variant interpretation guidelines (Richards et al. 2015 PMID: 25741868, with internal and published modifications).

NM_000035.3(ALDOB):c.-78G>A

Gene: ALDOB (aldolase, fructose-bisphosphate B; minus strand). Cytogenetic location: 9q31.1.
Variant type: single nucleotide variant.
Coding change: c.-78G>A on transcript NM_000035.3; 78 bases upstream of the start codon, G replaced by A.
Genome position (GRCh38, 1-based): chr9:101,435,776, C>T on the plus strand (G>A on the coding strand, the complement: ALDOB is on the minus strand). VCF-style: chr9-101435776-C-T. GRCh37 (hg19) VCF-style: chr9-104198058-C-T.
Identifiers: ClinVar variation 4983441 (VCV004983441.1).
Genomic context (GRCh38, chr9:101,435,776, plus strand): 5'-GAGAGAAGAGTCCTCCTAGATATCAAAAGCTGTGGGTGAGGCAGCAGCTGCCAAATAAGA[C>T]AGATCTTTGGTAGCACACAATTTTTATAGACTTCTCATCATGTTTTTTTTTTCCAATATT-3'